The following is an entry in ClinVar:

NM_019066.5(MAGEL2):c.1303C>T (p.Pro435Ser)

Gene: MAGEL2 (MAGE family member L2; minus strand). Cytogenetic location: 15q11.2.
Variant type: single nucleotide variant.
Coding change: c.1303C>T on transcript NM_019066.5 (MANE Select); coding-DNA position 1303, C replaced by T.
Protein change: p.Pro435Ser; replaces proline 435 with serine.
Molecular consequence: missense variant.
Genome position (GRCh38, 1-based): chr15:23,646,440, G>A on the plus strand (C>T on the coding strand, the complement: MAGEL2 is on the minus strand). VCF-style: chr15-23646440-G-A. GRCh37 (hg19) VCF-style: chr15-23891587-G-A.
Other names: short protein forms P435S.
Identifiers: ClinVar variation 2867767 (VCV002867767.3), dbSNP rs1296167802, ClinGen allele CA391334569.

ClinVar aggregate classification (germline): Uncertain significance (1 of 4 stars; one submission).

Submission:

Labcorp Genetics (formerly Invitae), Labcorp
Classification: Uncertain significance. Last evaluated: 2023-02-21. Review status: criteria provided, single submitter. Criteria: Invitae Variant Classification Sherloc (09022015). Collection method: clinical testing. Allele origin: germline.
Comment: In summary, the available evidence is currently insufficient to determine the role of this variant in disease. Therefore, it has been classified as a Variant of Uncertain Significance. Experimental studies and prediction algorithms are not available or were not evaluated, and the functional significance of this variant is currently unknown. This variant has not been reported in the literature in individuals affected with MAGEL2-related conditions. This variant is present in population databases (no rsID available, gnomAD 0.06%). This sequence change replaces proline, which is neutral and non-polar, with serine, which is neutral and polar, at codon 435 of the MAGEL2 protein (p.Pro435Ser).